The following is an entry in ClinVar:

ClinVar aggregate classification (germline): Uncertain significance (1 of 4 stars; one submission).

Allele frequency attached by ClinVar (database versions not stated): TOPMed below 0.00001; gnomAD exomes 0.00001; ExAC 0.00002.

Submission:

Labcorp Genetics (formerly Invitae), Labcorp
Classification: Uncertain significance. Last evaluated: 2022-04-13. Review status: criteria provided, single submitter. Criteria: Invitae Variant Classification Sherloc (09022015). Collection method: clinical testing. Allele origin: germline.
Comment: This sequence change replaces methionine, which is neutral and non-polar, with threonine, which is neutral and polar, at codon 1529 of the COL4A3 protein (p.Met1529Thr). This variant is present in population databases (rs777310696, gnomAD 0.006%). This variant has not been reported in the literature in individuals affected with COL4A3-related conditions. Algorithms developed to predict the effect of missense changes on protein structure and function are either unavailable or do not agree on the potential impact of this missense change (SIFT: "Deleterious"; PolyPhen-2: "Not Available"; Align-GVGD: "Class C0"). In summary, the available evidence is currently insufficient to determine the role of this variant in disease. Therefore, it has been classified as a Variant of Uncertain Significance.

NM_000091.5(COL4A3):c.4586T>C (p.Met1529Thr)

Genes: COL4A3 (collagen type IV alpha 3 chain; plus strand), MFF-DT (MFF divergent transcript; minus strand). Cytogenetic location: 2q36.3.
Variant type: single nucleotide variant.
Coding change: c.4586T>C on transcript NM_000091.5 (MANE Select); coding-DNA position 4586, T replaced by C.
Protein change: p.Met1529Thr; replaces methionine 1529 with threonine.
Molecular consequence: missense variant.
Genome position (GRCh38, 1-based): chr2:227,309,022, T>C. VCF-style: chr2-227309022-T-C. GRCh37 (hg19) VCF-style: chr2-228173738-T-C.
Other names: short protein forms M1529T.
Identifiers: ClinVar variation 2174550 (VCV002174550.1), dbSNP rs777310696, ClinGen allele CA2147575.
Genomic context (GRCh38, chr2:227,309,022, plus strand): 5'-ATGTATGTAATTTTGCATCTCGAAATGATTATTCATACTGGCTGTCAACACCAGCTCTGA[T>C]GCCAATGAACATGGCTCCCATTACTGGCAGAGCCCTTGAGCCTTATATAAGCAGGTAAAA-3'
Protein context (NP_000082.2, residues 1519-1539): YSYWLSTPAL[Met1529Thr]PMNMAPITGR